The following is an entry in ClinVar:

ClinVar aggregate classification (germline): Uncertain significance (1 of 4 stars; one submission).

Conditions:
PCNT-related disorder. Also called: PCNT-related condition.

Allele frequency attached by ClinVar (database versions not stated): ESP Exome Variant Server 0.00008.
gnomAD v4.1: 38 of 1,614,010 alleles (0.0024%); highest among the groups gnomAD compares: Non-Finnish European, 0.0031%; no homozygotes.

Submission:

PreventionGenetics, part of Exact Sciences
Classification: Uncertain significance for PCNT-related condition. Last evaluated: 2025-07-30. Review status: criteria provided, single submitter. Criteria: ACMG Guidelines, 2015. Collection method: clinical testing. Allele origin: germline.
Comment: The PCNT c.1907G>T variant is predicted to result in the amino acid substitution p.Arg636Leu. To our knowledge, this variant has not been reported in the literature. This variant is reported in 0.0035% of alleles in individuals of European (Non-Finnish) descent in gnomAD. At this time, the clinical significance of this variant is uncertain due to the absence of conclusive functional and genetic evidence.

NM_006031.6(PCNT):c.1907G>T (p.Arg636Leu)

Gene: PCNT (pericentrin; plus strand). Cytogenetic location: 21q22.3.
Variant type: single nucleotide variant.
Coding change: c.1907G>T on transcript NM_006031.6 (MANE Select); coding-DNA position 1907, G replaced by T.
Protein change: p.Arg636Leu; replaces arginine 636 with leucine.
Molecular consequence: missense variant.
Genome position (GRCh38, 1-based): chr21:46,355,597, G>T. VCF-style: chr21-46355597-G-T. GRCh37 (hg19) VCF-style: chr21-47775512-G-T.
Other names: c.1553G>T, p.Arg518Leu (NM_001315529.2); short protein forms R518L, R636L.
Identifiers: ClinVar variation 2636922 (VCV002636922.2), dbSNP rs201188810, ClinGen allele CA10078804.